The following is an entry in ClinVar:

NM_005343.4(HRAS):c.177_433dup (p.Glu98Ter)

Genes: HRAS (HRas proto-oncogene, GTPase; minus strand), LRRC56 (leucine rich repeat containing 56; plus strand). Cytogenetic location: 11p15.5.
Variant type: Duplication.
Coding change: c.177_433dup on transcript NM_005343.4 (MANE Select); coding-DNA positions 177 to 433, 257 bases duplicated.
Protein change: p.Glu98Ter; replaces glutamic acid 98 with a stop codon.
Molecular consequence: nonsense, splice acceptor variant, splice donor variant. On other transcripts: initiator codon variant (1).
Genome position: GRCh38: chr11:533,470-533,879. GRCh37 (hg19): chr11:533,470-533,879.
Other names: c.177_433dup, p.Glu98Ter (NM_001130442.3, NM_176795.5); c.-143_114dup (NM_001318054.2); short protein forms E98*.
Identifiers: ClinVar variation 2044453 (VCV002044453.5), ClinGen allele CA2580083844.

ClinVar aggregate classification (germline): Uncertain significance (1 of 4 stars; one submission).

Conditions:
Costello syndrome (CSTLO). Also called: HRAS-Related Costello Syndrome; FACIOCUTANEOSKELETAL SYNDROME; FCS SYNDROME. Identifiers: Orphanet 3071, MedGen C0587248, MONDO:0009026, OMIM 218040.

Submission:

Labcorp Genetics (formerly Invitae), Labcorp
Classification: Uncertain significance for Costello syndrome. Last evaluated: 2021-12-16. Review status: criteria provided, single submitter. Criteria: Invitae Variant Classification Sherloc (09022015). Collection method: clinical testing. Allele origin: germline.
Comment: This variant has not been reported in the literature in individuals affected with HRAS-related conditions. This variant is not present in population databases (gnomAD no frequency). This variant results in a tandem copy number gain of part of exon 3 and part of exon 4 of the HRAS gene. This variant is predicted to be out-of-frame, and may result in an absent or disrupted protein product. However, the current clinical and genetic evidence is not sufficient to establish whether loss-of-function variants in HRAS cause disease. Algorithms developed to predict the effect of sequence changes on RNA splicing suggest that this variant may create or strengthen a splice site. In summary, the available evidence is currently insufficient to determine the role of this variant in disease. Therefore, it has been classified as a Variant of Uncertain Significance.